The following is an entry in ClinVar:

ClinVar aggregate classification (germline): Likely benign. Review status: criteria provided, multiple submitters, no conflicts (2 of 4 stars). 3 submissions from 3 submitters: Likely benign (3). Last evaluated 2026-01-19.

Conditions:
Developmental and epileptic encephalopathy 94 (DEE94). Also called: Epileptic encephalopathy, childhood-onset; CHD2-Related Neurodevelopmental Disorders. Identifiers: Orphanet 1942, Orphanet 2382, MedGen C3809278, MONDO:0014150, OMIM 615369.

Allele frequency attached by ClinVar (database versions not stated): ExAC 0.00006; gnomAD exomes 0.00008 and 0.00036; TOPMed 0.00012; gnomAD 0.00014 and 0.00016; ESP Exome Variant Server 0.00015.
gnomAD v4.1: 525 of 1,591,796 alleles (0.033%); highest among the groups gnomAD compares: Non-Finnish European, 0.043%; no homozygotes.

Submissions (3):

Labcorp Genetics (formerly Invitae), Labcorp
Classification: Likely benign for Developmental and epileptic encephalopathy 94. Last evaluated: 2026-01-19. Review status: criteria provided, single submitter. Criteria: Invitae Variant Classification Sherloc (09022015). Collection method: clinical testing. Allele origin: germline.

Blueprint Genetics
Classification: Likely benign. Last evaluated: 2024-11-21. Review status: criteria provided, single submitter. Criteria: ACMG Guidelines, 2015. Collection method: clinical testing. Allele origin: germline.

GeneDx
Classification: Likely benign. Last evaluated: 2017-09-07. Review status: criteria provided, single submitter. Criteria: GeneDx Variant Classification (06012015). Collection method: clinical testing. Allele origin: germline. Affected: yes.
Comment: This variant is considered likely benign or benign based on one or more of the following criteria: it is a conservative change, it occurs at a poorly conserved position in the protein, it is predicted to be benign by multiple in silico algorithms, and/or has population frequency not consistent with disease.

NM_001271.4(CHD2):c.1377+12G>A

Gene: CHD2 (chromodomain helicase DNA binding protein 2; plus strand). Cytogenetic location: 15q26.1.
Variant type: single nucleotide variant.
Coding change: c.1377+12G>A on transcript NM_001271.4 (MANE Select); 12 bases into the intron after coding-DNA position 1377, G replaced by A.
Molecular consequence: intron variant.
Genome position (GRCh38, 1-based): chr15:92,946,228, G>A. VCF-style: chr15-92946228-G-A. GRCh37 (hg19) VCF-style: chr15-93489458-G-A.
Other names: c.1377+12G>A (NM_001042572.3).
Identifiers: ClinVar variation 511859 (VCV000511859.10), dbSNP rs200005446, ClinGen allele CA7747786.